The following is an entry in ClinVar:

NM_001875.5(CPS1):c.4034C>G (p.Ala1345Gly)

Gene: CPS1 (carbamoyl-phosphate synthase 1; plus strand). Cytogenetic location: 2q34.
Variant type: single nucleotide variant.
Coding change: c.4034C>G on transcript NM_001875.5 (MANE Select); coding-DNA position 4034, C replaced by G.
Protein change: p.Ala1345Gly; replaces alanine 1345 with glycine.
Molecular consequence: missense variant. On other transcripts: non-coding transcript variant (2).
Genome position (GRCh38, 1-based): chr2:210,668,217, C>G. VCF-style: chr2-210668217-C-G. GRCh37 (hg19) VCF-style: chr2-211532941-C-G.
Other names: c.4034C>G, p.Ala1345Gly (NM_001122633.3, NM_001369257.1); c.4067C>G, p.Ala1356Gly (NM_001369256.1); short protein forms A1345G, A1356G.
Identifiers: ClinVar variation 1428556 (VCV001428556.5), dbSNP rs1701168860, ClinGen allele CA350439926.

ClinVar aggregate classification (germline): Uncertain significance (1 of 4 stars; one submission).

Conditions:
Congenital hyperammonemia, type I. Also called: Carbamoyl-phosphate synthase I deficiency; CPS I DEFICIENCY; Carbamoyl phosphate synthetase 1 deficiency; Hyperammonemia due to carbamoyl phosphate synthetase 1 deficiency; CPS 1 deficiency; Carbamyl phosphate synthetase (CPS) deficiency. Identifiers: Orphanet 147, MedGen C4082171, MONDO:0009376, OMIM 237300.

Submission:

Labcorp Genetics (formerly Invitae), Labcorp
Classification: Uncertain significance for Congenital hyperammonemia, type I. Last evaluated: 2021-09-17. Review status: criteria provided, single submitter. Criteria: Invitae Variant Classification Sherloc (09022015). Collection method: clinical testing. Allele origin: germline.
Comment: This sequence change replaces alanine with glycine at codon 1345 of the CPS1 protein (p.Ala1345Gly). The alanine residue is moderately conserved and there is a small physicochemical difference between alanine and glycine. This variant is not present in population databases (ExAC no frequency). This variant has not been reported in the literature in individuals with CPS1-related conditions. Algorithms developed to predict the effect of missense changes on protein structure and function are either unavailable or do not agree on the potential impact of this missense change (SIFT: "Deleterious"; PolyPhen-2: "Probably Damaging"; Align-GVGD: "Class C0"). In summary, the available evidence is currently insufficient to determine the role of this variant in disease. Therefore, it has been classified as a Variant of Uncertain Significance.